The following is an entry in ClinVar:

NM_005902.4(SMAD3):c.5C>G (p.Ser2Trp)

Genes: SMAD3 (SMAD family member 3; plus strand), LOC130057352 (ATAC-STARR-seq lymphoblastoid silent region 6574; plus strand). Cytogenetic location: 15q22.33.
Variant type: single nucleotide variant.
Coding change: c.5C>G on transcript NM_005902.4 (MANE Select); coding-DNA position 5, C replaced by G.
Protein change: p.Ser2Trp; replaces serine 2 with tryptophan.
Molecular consequence: missense variant.
Genome position (GRCh38, 1-based): chr15:67,066,159, C>G. VCF-style: chr15-67066159-C-G. GRCh37 (hg19) VCF-style: chr15-67358497-C-G.
Other names: c.5C>G, p.Ser2Trp (NM_001407011.1, NM_001407012.1, NM_001407013.1); short protein forms S2W.
Identifiers: ClinVar variation 2452416 (VCV002452416.8), dbSNP rs1006530719, ClinGen allele CA272431420.

ClinVar aggregate classification (germline): Uncertain significance. Review status: criteria provided, multiple submitters, no conflicts (2 of 4 stars). 4 submissions from 4 submitters: Uncertain significance (4). Last evaluated 2026-09-09.

Conditions:
Familial thoracic aortic aneurysm and aortic dissection (TAAD). Also called: Thoracic aortic aneurysms and dissections. Identifiers: Orphanet 91387, MedGen C4707243, MONDO:0019625.

Allele frequency attached by ClinVar (database versions not stated): TOPMed 0.00001.

Submissions (4):

GeneDx
Classification: Uncertain significance. Last evaluated: 2026-09-09. Review status: criteria provided, single submitter. Criteria: GeneDx Variant Classification Process June 2021. Collection method: clinical testing. Allele origin: germline.
Comment: Not observed at significant frequency in large population cohorts (gnomAD); In silico analysis supports that this missense variant has a deleterious effect on protein structure/function; Has not been previously published as pathogenic or benign to our knowledge

Color Diagnostics, LLC DBA Color Health
Classification: Uncertain significance for Familial thoracic aortic aneurysm and aortic dissection. Last evaluated: 2025-06-09. Review status: criteria provided, single submitter. Criteria: ACMG Guidelines, 2015. Collection method: clinical testing. Allele origin: germline.
Comment: This missense variant replaces serine with tryptophan at codon 2 of the SMAD3 protein. Computational prediction tool is inconclusive regarding the impact of this variant on protein structure and function. To our knowledge, functional studies have not been reported for this variant. This variant has not been reported in individuals affected with SMAD3-related disorders in the literature. This variant has not been identified in the general population by the Genome Aggregation Database (gnomAD). The available evidence is insufficient to determine the role of this variant in disease conclusively. Therefore, this variant is classified as a Variant of Uncertain Significance.

Labcorp Genetics (formerly Invitae), Labcorp
Classification: Uncertain significance for Familial thoracic aortic aneurysm and aortic dissection. Last evaluated: 2025-02-23. Review status: criteria provided, single submitter. Criteria: Invitae Variant Classification Sherloc (09022015). Collection method: clinical testing. Allele origin: germline.
Comment: This sequence change replaces serine, which is neutral and polar, with tryptophan, which is neutral and slightly polar, at codon 2 of the SMAD3 protein (p.Ser2Trp). This variant is not present in population databases (gnomAD no frequency). This variant has not been reported in the literature in individuals affected with SMAD3-related conditions. ClinVar contains an entry for this variant (Variation ID: 2452416). An algorithm developed to predict the effect of missense changes on protein structure and function (PolyPhen-2) suggests that this variant is likely to be disruptive. In summary, the available evidence is currently insufficient to determine the role of this variant in disease. Therefore, it has been classified as a Variant of Uncertain Significance.

Ambry Genetics
Classification: Uncertain significance for Familial thoracic aortic aneurysm and aortic dissection. Last evaluated: 2022-11-27. Review status: criteria provided, single submitter. Criteria: Ambry Variant Classification Scheme 2023. Collection method: clinical testing. Allele origin: germline.
Comment: The p.S2W variant (also known as c.5C>G), located in coding exon 1 of the SMAD3 gene, results from a C to G substitution at nucleotide position 5. The serine at codon 2 is replaced by tryptophan, an amino acid with highly dissimilar properties. This amino acid position is conserved. In addition, the in silico prediction for this alteration is inconclusive. Since supporting evidence is limited at this time, the clinical significance of this alteration remains unclear.